The following is an entry in ClinVar:

NM_020461.4(TUBGCP6):c.2590C>G (p.Leu864Val)

Gene: TUBGCP6 (tubulin gamma complex component 6; minus strand). Cytogenetic location: 22q13.33.
Variant type: single nucleotide variant.
Coding change: c.2590C>G on transcript NM_020461.4 (MANE Select); coding-DNA position 2590, C replaced by G.
Protein change: p.Leu864Val; replaces leucine 864 with valine.
Molecular consequence: missense variant.
Genome position (GRCh38, 1-based): chr22:50,221,769, G>C on the plus strand (C>G on the coding strand, the complement: TUBGCP6 is on the minus strand). VCF-style: chr22-50221769-G-C. GRCh37 (hg19) VCF-style: chr22-50660198-G-C.
Other names: short protein forms L864V.
Identifiers: ClinVar variation 1961357 (VCV001961357.3), dbSNP rs1273001550, ClinGen allele CA412097284.

ClinVar aggregate classification (germline): Uncertain significance (1 of 4 stars; one submission).

Allele frequency attached by ClinVar (database versions not stated): gnomAD exomes 0.00001.
gnomAD v4.1: 8 of 1,513,752 alleles (0.00053%); highest among the groups gnomAD compares: Non-Finnish European, 0.00071%; no homozygotes.

Submission:

Labcorp Genetics (formerly Invitae), Labcorp
Classification: Uncertain significance. Last evaluated: 2022-08-31. Review status: criteria provided, single submitter. Criteria: Invitae Variant Classification Sherloc (09022015). Collection method: clinical testing. Allele origin: germline.
Comment: In summary, the available evidence is currently insufficient to determine the role of this variant in disease. Therefore, it has been classified as a Variant of Uncertain Significance. Algorithms developed to predict the effect of missense changes on protein structure and function (SIFT, PolyPhen-2, Align-GVGD) all suggest that this variant is likely to be tolerated. This variant has not been reported in the literature in individuals affected with TUBGCP6-related conditions. This variant is not present in population databases (gnomAD no frequency). This sequence change replaces leucine, which is neutral and non-polar, with valine, which is neutral and non-polar, at codon 864 of the TUBGCP6 protein (p.Leu864Val).